The following is an entry in ClinVar:

ClinVar aggregate classification (germline): Uncertain significance (1 of 4 stars; one submission).

Conditions:
Inborn genetic diseases. Identifiers: MedGen C0950123, MeSH D030342.

Submission:

Ambry Genetics
Classification: Uncertain significance for Inborn genetic diseases. Last evaluated: 2024-03-09. Review status: criteria provided, single submitter. Criteria: Ambry Variant Classification Scheme 2023. Collection method: clinical testing. Allele origin: germline.
Comment: The p.H585Q variant (also known as c.1755T>A), located in coding exon 8 of the ATR gene, results from a T to A substitution at nucleotide position 1755. The histidine at codon 585 is replaced by glutamine, an amino acid with highly similar properties. This amino acid position is conserved. In addition, this alteration is predicted to be tolerated by in silico analysis. Based on the available evidence, the clinical significance of this alteration remains unclear.

NM_001184.4(ATR):c.1755T>A (p.His585Gln)

Gene: ATR (ATR checkpoint kinase; minus strand). Cytogenetic location: 3q23.
Variant type: single nucleotide variant.
Coding change: c.1755T>A on transcript NM_001184.4 (MANE Select); coding-DNA position 1755, T replaced by A.
Protein change: p.His585Gln; replaces histidine 585 with glutamine.
Molecular consequence: missense variant.
Genome position (GRCh38, 1-based): chr3:142,558,754, A>T on the plus strand (T>A on the coding strand, the complement: ATR is on the minus strand). VCF-style: chr3-142558754-A-T. GRCh37 (hg19) VCF-style: chr3-142277596-A-T.
Other names: c.1563T>A, p.His521Gln (NM_001354579.2); short protein forms H521Q, H585Q.
Identifiers: ClinVar variation 3221063 (VCV003221063.1), dbSNP rs2473408415, ClinGen allele CA354821432.
Genomic context (GRCh38, chr3:142,558,754, plus strand): 5'-ATCATCAGAATGGGAATAAATCCATGGAAGTGAGAGCATACCACATAAATCTTCCAGGAT[A>T]TGATCTTCAAATGAACTGTTTACTACAGAAGCACAAAATAAGTCATTAATTATAACTTTT-3'
Protein context (NP_001175.2, residues 575-595): YMQVNSSFED[His585Gln]ILEDLCGMLS